The following is an entry in ClinVar:

NM_014946.4(SPAST):c.1129G>C (p.Gly377Arg)

Gene: SPAST (spastin; plus strand). Cytogenetic location: 2p22.3.
Variant type: single nucleotide variant.
Coding change: c.1129G>C on transcript NM_014946.4 (MANE Select); coding-DNA position 1129, G replaced by C.
Protein change: p.Gly377Arg; replaces glycine 377 with arginine.
Molecular consequence: missense variant.
Genome position (GRCh38, 1-based): chr2:32,126,978, G>C. VCF-style: chr2-32126978-G-C. GRCh37 (hg19) VCF-style: chr2-32352047-G-C.
Other names: c.1126G>C, p.Gly376Arg (NM_001363823.2); c.1030G>C, p.Gly344Arg (NM_001363875.2); c.1033G>C, p.Gly345Arg (NM_001377959.1, NM_199436.2); short protein forms G344R, G376R, G345R, G377R.
Identifiers: ClinVar variation 855958 (VCV000855958.8), dbSNP rs1679215171, ClinGen allele CA346501254.

ClinVar aggregate classification (germline): Uncertain significance (1 of 4 stars; one submission).

Conditions:
Hereditary spastic paraplegia 4. Also called: Spastic Paraplegia 4; Spastic paraplegia 4, autosomal dominant; Familial spastic paraplegia autosomal dominant 2. Identifiers: Orphanet 100985, MedGen C1866855, MONDO:0008438, OMIM 182601.

Submission:

Labcorp Genetics (formerly Invitae), Labcorp
Classification: Uncertain significance for Hereditary spastic paraplegia 4. Last evaluated: 2019-03-11. Review status: criteria provided, single submitter. Criteria: Invitae Variant Classification Sherloc (09022015). Collection method: clinical testing. Allele origin: germline.
Comment: In summary, the available evidence is currently insufficient to determine the role of this variant in disease. Therefore, it has been classified as a Variant of Uncertain Significance. This variant disrupts the p.Gly377 amino acid residue in SPAST. Other variant(s) that disrupt this residue have been observed in individuals with SPAST-related conditions (PMID: 21546041), which suggests that this may be a clinically significant amino acid residue. Algorithms developed to predict the effect of missense changes on protein structure and function (SIFT, PolyPhen-2, Align-GVGD) all suggest that this variant is likely to be disruptive, but these predictions have not been confirmed by published functional studies and their clinical significance is uncertain. This variant has not been reported in the literature in individuals with SPAST-related conditions. This variant is not present in population databases (ExAC no frequency). This sequence change replaces glycine with arginine at codon 377 of the SPAST protein (p.Gly377Arg). The glycine residue is highly conserved and there is a moderate physicochemical difference between glycine and arginine.

Literature cited by the submitters: PubMed 21546041.